The following is an entry in ClinVar:

ClinVar aggregate classification (germline): Conflicting classifications of pathogenicity. Review status: criteria provided, conflicting classifications (1 of 4 stars). 3 submissions from 3 submitters: Pathogenic (1); Uncertain significance (1). 1 of the submissions does not count toward it. Last evaluated 2024-09-17.

Conditions:
Autosomal dominant optic atrophy classic form (OPA1). Also called: Optic Atrophy Type 1; KJER-TYPE OPTIC ATROPHY; OPTIC ATROPHY, JUVENILE. Identifiers: Orphanet 98673, MedGen C0338508, MONDO:0008134, OMIM 165500.

Submissions (3):

Labcorp Genetics (formerly Invitae), Labcorp
Classification: Uncertain significance. Last evaluated: 2024-09-17. Review status: criteria provided, single submitter. Criteria: Invitae Variant Classification Sherloc (09022015). Collection method: clinical testing. Allele origin: germline.
Comment: This sequence change replaces glutamine, which is neutral and polar, with arginine, which is basic and polar, at codon 437 of the OPA1 protein (p.Gln437Arg). This variant is not present in population databases (gnomAD no frequency). This missense change has been observed in individual(s) with clinical features of OPA1-related conditions (PMID: 23384603). ClinVar contains an entry for this variant (Variation ID: 217843). An algorithm developed to predict the effect of missense changes on protein structure and function (PolyPhen-2) suggests that this variant is likely to be disruptive. In summary, the available evidence is currently insufficient to determine the role of this variant in disease. Therefore, it has been classified as a Variant of Uncertain Significance.

GeneDx
Classification: Pathogenic. Last evaluated: 2016-01-07. Review status: criteria provided, single submitter. Criteria: GeneDx Variant Classification (06012015). Collection method: clinical testing. Allele origin: germline. Affected: yes.
Comment: The Q437R pathogenic variant in the OPA1 gene has been reported previously in an individual with optic atrophy, hearing loss, nystagmus, ataxia and paraesthesia (Leruez et al., 2013). The Q437R variant was not observed in approximately 6,500 individuals of European and African American ancestry in the NHLBI Exome Sequencing Project, indicating it is not a common benign variant in these populations. The Q437R variant is a semi-conservative amino acid substitution, which may impact secondary protein structure as these residues differ in some properties. This substitution occurs at a position that is conserved across species. In silico analysis predicts this variant is probably damaging to the protein structure/function. Missense variants in nearby residues (I434R, C435Y, D438V, D438G, D438A, G439V) have been reported in the Human Gene Mutation Database in association with optic atrophy (Stenson et al., 2014), supporting the functional importance of this region of the protein. We interpret Q437R as a pathogenic variant.

GeneReviews
No classification provided. Condition: Autosomal dominant optic atrophy classic form. Review status: no classification provided. Collection method: literature only. Allele origin: germline. Affected: yes. Not counted in ClinVar's aggregate classification.

Literature cited by the submitters: PubMed 23384603 (cited by Labcorp Genetics (formerly Invitae), Labcorp and GeneReviews); NCBI Bookshelf NBK1248 (cited by GeneReviews).

NM_130837.3(OPA1):c.1475A>G (p.Gln492Arg)

Gene: OPA1 (OPA1 mitochondrial dynamin like GTPase; plus strand). Cytogenetic location: 3q29.
Variant type: single nucleotide variant.
Coding change: c.1475A>G on transcript NM_130837.3 (MANE Select); coding-DNA position 1475, A replaced by G.
Protein change: p.Gln492Arg; replaces glutamine 492 with arginine.
Molecular consequence: missense variant.
Genome position (GRCh38, 1-based): chr3:193,643,625, A>G. VCF-style: chr3-193643625-A-G. GRCh37 (hg19) VCF-style: chr3-193361414-A-G.
Other names: c.941A>G, p.Gln314Arg (NM_001354663.2); c.938A>G, p.Gln313Arg (NM_001354664.2); c.1310A>G, p.Gln437Arg (NM_015560.3); c.1202A>G, p.Gln401Arg (NM_130831.3); c.1256A>G, p.Gln419Arg (NM_130832.3); c.1313A>G, p.Gln438Arg (NM_130833.3); c.1364A>G, p.Gln455Arg (NM_130834.3); c.1367A>G, p.Gln456Arg (NM_130835.3); and 1 more; short protein forms Q492R, Q313R, Q401R, Q438R, Q474R, Q314R, Q456R, Q419R.
Identifiers: ClinVar variation 217843 (VCV000217843.6), dbSNP rs863225277, ClinGen allele CA347686.